The following is an entry in ClinVar:

NM_001001557.4(GDF6):c.1271A>G (p.Lys424Arg)

Gene: GDF6 (growth differentiation factor 6; minus strand). Cytogenetic location: 8q22.1.
Variant type: single nucleotide variant.
Coding change: c.1271A>G on transcript NM_001001557.4 (MANE Select); coding-DNA position 1271, A replaced by G.
Protein change: p.Lys424Arg; replaces lysine 424 with arginine.
Molecular consequence: missense variant.
Genome position (GRCh38, 1-based): chr8:96,144,660, T>C on the plus strand (A>G on the coding strand, the complement: GDF6 is on the minus strand). VCF-style: chr8-96144660-T-C. GRCh37 (hg19) VCF-style: chr8-97156888-T-C.
Other names: K242R; short protein forms K424R.
Identifiers: ClinVar variation 8373 (VCV000008373.22), dbSNP rs121909353, ClinGen allele CA119557.

ClinVar aggregate classification (germline): Conflicting classifications of pathogenicity. Review status: criteria provided, conflicting classifications (1 of 4 stars). 6 submissions from 5 submitters: Uncertain significance (2); Likely benign (1). 3 of the submissions do not count toward it. Last evaluated 2025-12-19.

Conditions:
Microphthalmia, isolated, with coloboma 6 (MCOPCB6). Also called: MICROPHTHALMIA/COLOBOMA 6; Microphthalmia with coloboma 6, digenic; Microphthalmia with coloboma 6. Identifiers: Orphanet 98938, MedGen C3150968, MONDO:0013376, OMIM 613703.
Isolated microphthalmia 4. Identifiers: Orphanet 2542, MedGen C2751307, MONDO:0013130, OMIM 613094.
Klippel-Feil syndrome 1, autosomal dominant (KFS1). Also called: CERVICAL VERTEBRAL FUSION, AUTOSOMAL DOMINANT. Identifiers: Orphanet 2345, MedGen C1861689, MONDO:0007306, OMIM 118100.
Multiple synostoses syndrome 4. Identifiers: MedGen C4693531, MONDO:0054752, OMIM 617898.
Leber congenital amaurosis 17 (LCA17). Identifiers: Orphanet 65, MedGen C3715164, MONDO:0014145, OMIM 615360.
Autosomal dominant Parkinson disease 8. Also called: Parkinson disease 8, susceptibility to; LRRK2-Related Parkinson Disease; Parkinson disease 8. Identifiers: Orphanet 411602, MedGen C1846862, MONDO:0011764, OMIM 607060.

Allele frequency attached by ClinVar (database versions not stated): gnomAD 0.00003 and 0.00007; TOPMed 0.00014; 1000 Genomes Project 30x 0.00062; gnomAD exomes 0.00021 and 0.00007; 1000 Genomes Project 0.00080; ExAC 0.00021.
gnomAD v4.1: 112 of 1,614,066 alleles (0.0069%); highest among the groups gnomAD compares: East Asian, 0.24%; no homozygotes.

Submissions (6):

Labcorp Genetics (formerly Invitae), Labcorp
Classification: Likely benign for Isolated microphthalmia 4; Leber congenital amaurosis 17; Klippel-Feil syndrome 1, autosomal dominant; Microphthalmia, isolated, with coloboma 6. Last evaluated: 2025-12-19. Review status: criteria provided, single submitter. Criteria: Invitae Variant Classification Sherloc (09022015). Collection method: clinical testing. Allele origin: germline.

Department of Pathology and Laboratory Medicine, Sinai Health System
Classification: Uncertain significance for Klippel-Feil syndrome 1, autosomal dominant; Isolated microphthalmia 4; Microphthalmia, isolated, with coloboma 6; Leber congenital amaurosis 17; Multiple synostoses syndrome 4. Last evaluated: 2023-02-06. Review status: criteria provided, single submitter. Criteria: ACMG Guidelines, 2015. Collection method: research. Allele origin: germline.

Baylor Genetics
Classification: Uncertain significance for Leber congenital amaurosis 17. Review status: criteria provided, single submitter. Criteria: ACMG Guidelines, 2015. Collection method: clinical testing. Allele origin: unknown.

Codex Genetics Limited
Classification: Pathogenic for Parkinson disease 8, autosomal dominant; Klippel-Feil syndrome 1, autosomal dominant. Last evaluated: 2019-02-28. Review status: no assertion criteria provided. Collection method: provider interpretation. Allele origin: germline. Affected: yes. Not counted in ClinVar's aggregate classification.

Baylor Genetics
Classification: Pathogenic for Klippel-Feil syndrome 1, autosomal dominant. Last evaluated: 2014-12-30. Review status: no assertion criteria provided. Collection method: clinical testing. Allele origin: paternal. Inheritance: Autosomal dominant inheritance. Observed: 2 variant alleles, 2 heterozygotes. Not counted in ClinVar's aggregate classification.
Comment: The GDF6 variant has been previously reported as disease-causing (PMID 19129173).

OMIM
Classification: Pathogenic for KLIPPEL-FEIL SYNDROME 1, AUTOSOMAL DOMINANT. Last evaluated: 2009-03-15. Review status: no assertion criteria provided. Collection method: literature only. Allele origin: germline. Not counted in ClinVar's aggregate classification.

Literature cited by the submitters: PubMed 19129173 (cited by 3 submitters).